The following is an entry in ClinVar:

ClinVar aggregate classification (germline): other (0 of 4 stars; one submission).

Conditions:
Familial colorectal cancer. Identifiers: MedGen CN280943, MONDO:0023113. Disease mechanism: loss of function.

Submission:

Systems Biology Platform Zhejiang California International NanoSystems Institute
Classification: other for Familial colorectal cancer. Review status: no assertion criteria provided. Collection method: not provided. Allele origin: unknown.
ClinVar note: Converted during submission from cancer to other.

NM_000038.6(APC):c.645+3709C>G

Gene: APC (APC regulator of WNT signaling pathway; plus strand). Cytogenetic location: 5q22.2.
Variant type: single nucleotide variant.
Coding change: c.645+3709C>G on transcript NM_000038.6 (MANE Select); 3709 bases into the intron after coding-DNA position 645, C replaced by G.
Molecular consequence: intron variant.
Genome position (GRCh38, 1-based): chr5:112,784,612, C>G. VCF-style: chr5-112784612-C-G. GRCh37 (hg19) VCF-style: chr5-112120309-C-G.
Other names: c.645+3709C>G (NM_001354895.2, NM_001127510.3, NM_001354896.2 and 2 more transcripts); c.675+3709C>G (NM_001354897.2, NM_001354902.2, NM_001127511.3); c.570+3709C>G (NM_001354898.2, NM_001354904.2); c.-391+3709C>G (NM_001354906.2); c.468+3709C>G (NM_001354900.2, NM_001354901.2, NM_001354905.2).
Identifiers: ClinVar variation 82447 (VCV000082447.2), dbSNP rs79525818, ClinGen allele CA011454.